The following is an entry in ClinVar:

NM_000264.5(PTCH1):c.38G>A (p.Arg13His)

Genes: PTCH1 (patched 1; minus strand), LOC130002133 (ATAC-STARR-seq lymphoblastoid silent region 20071; plus strand). Cytogenetic location: 9q22.32.
Variant type: single nucleotide variant.
Coding change: c.38G>A on transcript NM_000264.5 (MANE Select); coding-DNA position 38, G replaced by A.
Protein change: p.Arg13His; replaces arginine 13 with histidine.
Molecular consequence: missense variant. On other transcripts: non-coding transcript variant (1), intron variant (3).
Genome position (GRCh38, 1-based): chr9:95,508,324, C>T on the plus strand (G>A on the coding strand, the complement: PTCH1 is on the minus strand). VCF-style: chr9-95508324-C-T. GRCh37 (hg19) VCF-style: chr9-98270606-C-T.
Other names: c.38G>A, p.Arg13His (NM_001354918.2); c.199-1725G>A (NM_001083603.3); c.4-1725G>A (NM_001083602.3, NM_001354919.2); short protein forms R13H.
Identifiers: ClinVar variation 1014695 (VCV001014695.9), dbSNP rs1843911577, ClinGen allele CA374121577.
Genomic context (GRCh38, chr9:95,508,324, plus strand): 5'-CGCCTCCCGCCTCCAGCCGGCCGTCCCGGGGCACCGATACAGCCGCTGCCGCCGCCGCCG[C>T]GGTCCTGGGGCTCGGCGGCGTTACCAGCCGAGGCCATGTTGCCGCCGCCGCCGCCGCCGC-3'
Protein context (NP_000255.2, residues 3-23): SAGNAAEPQD[Arg13His]GGGGSGCIGA

ClinVar aggregate classification (germline): Uncertain significance (1 of 4 stars; one submission).

Conditions:
Gorlin syndrome. Also called: Nevoid Basal Cell Carcinoma Syndrome; Basal cell nevus syndrome. Identifiers: Orphanet 377, MedGen C0004779, MONDO:0007187.

Submission:

Labcorp Genetics (formerly Invitae), Labcorp
Classification: Uncertain significance for Gorlin syndrome. Last evaluated: 2025-03-24. Review status: criteria provided, single submitter. Criteria: Invitae Variant Classification Sherloc (09022015). Collection method: clinical testing. Allele origin: germline.
Comment: This sequence change replaces arginine, which is basic and polar, with histidine, which is basic and polar, at codon 13 of the PTCH1 protein (p.Arg13His). This variant is not present in population databases (gnomAD no frequency). This variant has not been reported in the literature in individuals affected with PTCH1-related conditions. ClinVar contains an entry for this variant (Variation ID: 1014695). Invitae Evidence Modeling of protein sequence and biophysical properties (such as structural, functional, and spatial information, amino acid conservation, physicochemical variation, residue mobility, and thermodynamic stability) indicates that this missense variant is not expected to disrupt PTCH1 protein function with a negative predictive value of 95%. In summary, the available evidence is currently insufficient to determine the role of this variant in disease. Therefore, it has been classified as a Variant of Uncertain Significance.